The following is an entry in ClinVar:

NM_182643.3(DLC1):c.3080A>G (p.Gln1027Arg)

Gene: DLC1 (DLC1 Rho GTPase activating protein; minus strand). Cytogenetic location: 8p22.
Variant type: single nucleotide variant.
Coding change: c.3080A>G on transcript NM_182643.3 (MANE Select); coding-DNA position 3080, A replaced by G.
Protein change: p.Gln1027Arg; replaces glutamine 1027 with arginine.
Molecular consequence: missense variant.
Genome position (GRCh38, 1-based): chr8:13,098,486, T>C on the plus strand (A>G on the coding strand, the complement: DLC1 is on the minus strand). VCF-style: chr8-13098486-T-C. GRCh37 (hg19) VCF-style: chr8-12955995-T-C.
Other names: c.1547A>G, p.Gln516Arg (NM_001348084.2, NM_001413126.1, NM_001413127.1 and 6 more transcripts); c.3080A>G, p.Gln1027Arg (NM_001413124.1, NM_001348081.2); c.1871A>G, p.Gln624Arg (NM_001413129.1, NM_001316668.2); c.1862A>G, p.Gln621Arg (NM_001413130.1); c.1520A>G, p.Gln507Arg (NM_001413131.1, NM_001413137.1); c.2006A>G, p.Gln669Arg (NM_001413132.1); c.1769A>G, p.Gln590Arg (NM_001413135.1, NM_001413136.1, NM_001413139.1 and 1 more transcripts); c.1904A>G, p.Gln635Arg (NM_001413140.1); short protein forms Q1027R, Q621R, Q507R, Q516R, Q624R, Q635R, Q590R, Q669R.
Identifiers: ClinVar variation 2039056 (VCV002039056.4), dbSNP rs1818699162, ClinGen allele CA370343727.

ClinVar aggregate classification (germline): Uncertain significance (1 of 4 stars; one submission).

Submission:

Labcorp Genetics (formerly Invitae), Labcorp
Classification: Uncertain significance. Last evaluated: 2024-04-29. Review status: criteria provided, single submitter. Criteria: Invitae Variant Classification Sherloc (09022015). Collection method: clinical testing. Allele origin: germline.
Comment: This sequence change replaces glutamine, which is neutral and polar, with arginine, which is basic and polar, at codon 1027 of the DLC1 protein (p.Gln1027Arg). This variant is not present in population databases (gnomAD no frequency). This variant has not been reported in the literature in individuals affected with DLC1-related conditions. ClinVar contains an entry for this variant (Variation ID: 2039056). An algorithm developed to predict the effect of missense changes on protein structure and function (PolyPhen-2) suggests that this variant is likely to be disruptive. In summary, the available evidence is currently insufficient to determine the role of this variant in disease. Therefore, it has been classified as a Variant of Uncertain Significance.